The following is an entry in ClinVar:

NM_001849.4(COL6A2):c.3034G>T (p.Asp1012Tyr)

Gene: COL6A2 (collagen type VI alpha 2 chain; plus strand). Cytogenetic location: 21q22.3.
Variant type: single nucleotide variant.
Coding change: c.3034G>T on transcript NM_001849.4 (MANE Select); coding-DNA position 3034, G replaced by T.
Protein change: p.Asp1012Tyr; replaces aspartic acid 1012 with tyrosine.
Molecular consequence: missense variant.
Genome position (GRCh38, 1-based): chr21:46,132,526, G>T. VCF-style: chr21-46132526-G-T. GRCh37 (hg19) VCF-style: chr21-47552440-G-T.
Other names: short protein forms D1012Y.
Identifiers: ClinVar variation 3714591 (VCV003714591.2).
Genomic context (GRCh38, chr21:46,132,526, plus strand): 5'-GACCGCGCCGCCGTGTTCCACGAGAAGGACTATGACAGCCTGGCGCAACCCGGCTTCTTC[G>T]ACCGCTTCATCCGCTGGATCTGCTAGCGCCGCCGCCCGGGCCCCGCAGTCGAGGGTCGTG-3'
Protein context (NP_001840.3, residues 1002-1019): YDSLAQPGFF[Asp1012Tyr]RFIRWIC

ClinVar aggregate classification (germline): Uncertain significance (1 of 4 stars; one submission).

Conditions:
Bethlem myopathy 1A. Also called: MYOPATHY, BENIGN CONGENITAL, WITH CONTRACTURES; Bethlem myopathy 1; Bethlem Muscular Dystrophy. Identifiers: Orphanet 610, MedGen CN029274, MONDO:0024530, OMIM 158810.

gnomAD v4.1: 1 of 1,605,604 alleles (0.000062%); highest among the groups gnomAD compares: African/African-American, 0.0013%; no homozygotes.

Submission:

Labcorp Genetics (formerly Invitae), Labcorp
Classification: Uncertain significance for Bethlem myopathy 1A. Last evaluated: 2025-09-10. Review status: criteria provided, single submitter. Criteria: Invitae Variant Classification Sherloc (09022015). Collection method: clinical testing. Allele origin: germline.
Comment: This sequence change replaces aspartic acid, which is acidic and polar, with tyrosine, which is neutral and polar, at codon 1012 of the COL6A2 protein (p.Asp1012Tyr). This variant is not present in population databases (gnomAD no frequency). This variant has not been reported in the literature in individuals affected with COL6A2-related conditions. ClinVar contains an entry for this variant (Variation ID: 3714591). Invitae Evidence Modeling of protein sequence and biophysical properties (such as structural, functional, and spatial information, amino acid conservation, physicochemical variation, residue mobility, and thermodynamic stability) indicates that this missense variant is not expected to disrupt COL6A2 protein function with a negative predictive value of 95%. In summary, the available evidence is currently insufficient to determine the role of this variant in disease. Therefore, it has been classified as a Variant of Uncertain Significance.